The following is an entry in ClinVar:

NM_001394372.1(BICRA):c.2317C>T (p.Pro773Ser)

Gene: BICRA (BRD4 interacting chromatin remodeling complex associated protein; plus strand). Cytogenetic location: 19q13.33.
Variant type: single nucleotide variant.
Coding change: c.2317C>T on transcript NM_001394372.1 (MANE Select); coding-DNA position 2317, C replaced by T.
Protein change: p.Pro773Ser; replaces proline 773 with serine.
Molecular consequence: missense variant.
Genome position (GRCh38, 1-based): chr19:47,694,148, C>T. VCF-style: chr19-47694148-C-T. GRCh37 (hg19) VCF-style: chr19-48197405-C-T.
Other names: c.2317C>T, p.Pro773Ser (NM_015711.3); short protein forms P773S.
Identifiers: ClinVar variation 3376349 (VCV003376349.1).

ClinVar aggregate classification (germline): Uncertain significance (1 of 4 stars; one submission).

Conditions:
Coffin-Siris syndrome 12. Identifiers: MedGen C5444111, MONDO:0025699, OMIM 619325.

gnomAD v4.1: 33 of 1,522,448 alleles (0.0022%); highest among the groups gnomAD compares: Non-Finnish European, 0.0027%; no homozygotes.

Submission:

Pittsburgh Clinical Genomics Laboratory, University of Pittsburgh Medical Center
Classification: Uncertain significance for Coffin-Siris syndrome 12. Last evaluated: 2024-02-21. Review status: criteria provided, single submitter. Criteria: ACMG Guidelines, 2015. Collection method: clinical testing. Allele origin: germline. Inheritance: Autosomal dominant inheritance. Affected: yes.
Comment: This sequence variant is a single nucleotide substitution (C>T) at position 2317 of the coding sequence of the BICRA gene that results in a proline to serine amino acid change at residue 773 of the BRD4 interacting chromatin remodeling complex associated protein. This variant is absent from ClinVar and is present in 2 of 277120 alleles (0.0007%) in the gnomAD population dataset. To our knowledge, this variant has not been observed in an individual affected by a BICRA-related disorder in the published literature. Multiple bioinformatic tools predict that this amino acid change would be neutral, and the Pro773 residue at this position is moderately conserved across the vertebrate species examined. Studies examining the functional consequence of this variant have not been published, to our knowledge. At this time, there is insufficient evidence to determine if this variant is pathogenic or benign. Therefore, we consider this a variant of uncertain significance. ACMG Criteria: BP4, PM2